The following is an entry in ClinVar:

ClinVar aggregate classification (germline): Likely benign. Review status: criteria provided, multiple submitters, no conflicts (2 of 4 stars). 3 submissions from 3 submitters: Likely benign (2). 1 of the submissions does not count toward it. Last evaluated 2025-10-26.

Conditions:
MSX1-related disorder. Also called: MSX1-related condition.
Hypoplastic enamel-onycholysis-hypohidrosis syndrome (TNS). Also called: ECTODERMAL DYSPLASIA 3, TOOTH/NAIL TYPE; NAIL DYSPLASIA WITH HYPODONTIA; ECTODERMAL DYSPLASIA 3, WITKOP TYPE; WITKOP SYNDROME; Tooth-and-Nail Syndrome. Identifiers: Orphanet 2228, MedGen C0406735, MONDO:0008582, OMIM 189500.

Allele frequency attached by ClinVar (database versions not stated): gnomAD exomes 0.00004 and 0.00035; ExAC 0.00010; gnomAD 0.00011 and 0.00013; TOPMed 0.00012; 1000 Genomes Project 30x 0.00031.
gnomAD v4.1: 80 of 1,492,118 alleles (0.0054%); highest among the groups gnomAD compares: Admixed American, 0.15%; 1 homozygote.

Submissions (3):

Labcorp Genetics (formerly Invitae), Labcorp
Classification: Likely benign for Hypoplastic enamel-onycholysis-hypohidrosis syndrome. Last evaluated: 2025-10-26. Review status: criteria provided, single submitter. Criteria: Invitae Variant Classification Sherloc (09022015). Collection method: clinical testing. Allele origin: germline.

Blueprint Genetics
Classification: Likely benign. Last evaluated: 2024-11-21. Review status: criteria provided, single submitter. Criteria: ACMG Guidelines, 2015. Collection method: clinical testing. Allele origin: germline.

PreventionGenetics, part of Exact Sciences
Classification: Likely benign for MSX1-related condition. Last evaluated: 2024-03-12. Review status: no assertion criteria provided. Collection method: clinical testing. Allele origin: germline. Not counted in ClinVar's aggregate classification.
Comment: This variant is classified as likely benign based on ACMG/AMP sequence variant interpretation guidelines (Richards et al. 2015 PMID: 25741868, with internal and published modifications).

NM_002448.3(MSX1):c.65G>A (p.Gly22Asp)

Genes: MSX1 (msh homeobox 1; plus strand), LOC129992137 (ATAC-STARR-seq lymphoblastoid silent region 15219; plus strand). Cytogenetic location: 4p16.2.
Variant type: single nucleotide variant.
Coding change: c.65G>A on transcript NM_002448.3 (MANE Select); coding-DNA position 65, G replaced by A.
Protein change: p.Gly22Asp; replaces glycine 22 with aspartic acid.
Molecular consequence: missense variant.
Genome position (GRCh38, 1-based): chr4:4,859,964, G>A. VCF-style: chr4-4859964-G-A. GRCh37 (hg19) VCF-style: chr4-4861691-G-A.
Other names: short protein forms G22D.
Identifiers: ClinVar variation 772759 (VCV000772759.9), dbSNP rs755151662, ClinGen allele CA2832915.
Genomic context (GRCh38, chr4:4,859,964, plus strand): 5'-CCCCGGCTGCTGACATGACTTCTTTGCCACTCGGTGTCAAAGTGGAGGACTCCGCCTTCG[G>A]CAAGCCGGCGGGGGGAGGCGCGGGCCAGGCCCCCAGCGCCGCCGCGGCCACGGCAGCCGC-3'
Protein context (NP_002439.2, residues 12-32): LGVKVEDSAF[Gly22Asp]KPAGGGAGQA